The following is an entry in ClinVar:

NM_000368.5(TSC1):c.2593C>A (p.Gln865Lys)

Gene: TSC1 (TSC complex subunit 1; minus strand). Cytogenetic location: 9q34.13.
Variant type: single nucleotide variant.
Coding change: c.2593C>A on transcript NM_000368.5 (MANE Select); coding-DNA position 2593, C replaced by A.
Protein change: p.Gln865Lys; replaces glutamine 865 with lysine.
Molecular consequence: missense variant. On other transcripts: non-coding transcript variant (5).
Genome position (GRCh38, 1-based): chr9:132,900,747, G>T on the plus strand (C>A on the coding strand, the complement: TSC1 is on the minus strand). VCF-style: chr9-132900747-G-T. GRCh37 (hg19) VCF-style: chr9-135776134-G-T.
Other names: c.2590C>A, p.Gln864Lys (NM_001406599.1, NM_001406600.1, NM_001162426.2 and 2 more transcripts); c.2578C>A, p.Gln860Lys (NM_001406601.1, NM_001406602.1); c.2575C>A, p.Gln859Lys (NM_001406603.1, NM_001406604.1); c.2551C>A, p.Gln851Lys (NM_001406605.1, NM_001406606.1, NM_001406607.1); c.2548C>A, p.Gln850Lys (NM_001406608.1, NM_001406609.1); c.2230C>A, p.Gln744Lys (NM_001406618.1, NM_001406619.1, NM_001406614.1 and 4 more transcripts); c.2227C>A, p.Gln743Lys (NM_001406620.1, NM_001406621.1, NM_001406622.1 and 1 more transcripts); c.2188C>A, p.Gln730Lys (NM_001406624.1); and 8 more; short protein forms Q548K, Q814K, Q850K, Q851K, Q859K, Q514K, Q743K, Q744K.
Identifiers: ClinVar variation 4709641 (VCV004709641.1).
Genomic context (GRCh38, chr9:132,900,747, plus strand): 5'-AAGGTCTGGCTCCCGAGCCCTGGCATACCTTTGTGGTATCTGAGTGCTTGTTCTGCAGTT[G>T]TTCCAAATAGAGCTCGTTGACCTCCCCAAGAACCAACAGCTGCCTGTTCAAGAACTCCAT-3'
Protein context (NP_000359.1, residues 855-875): LGEVNELYLE[Gln865Lys]LQNKHSDTTK

ClinVar aggregate classification (germline): Uncertain significance (1 of 4 stars; one submission).

Conditions:
Tuberous sclerosis 1 (TSC1). Identifiers: Orphanet 805, MedGen C1854465, MONDO:0008612, OMIM 191100.

Submission:

Labcorp Genetics (formerly Invitae), Labcorp
Classification: Uncertain significance for Tuberous sclerosis 1. Last evaluated: 2025-11-01. Review status: criteria provided, single submitter. Criteria: Invitae Variant Classification Sherloc (09022015). Collection method: clinical testing. Allele origin: germline.
Comment: This sequence change replaces glutamine, which is neutral and polar, with lysine, which is basic and polar, at codon 865 of the TSC1 protein (p.Gln865Lys). This variant is not present in population databases (gnomAD no frequency). This variant has not been reported in the literature in individuals affected with TSC1-related conditions. Invitae Evidence Modeling of protein sequence and biophysical properties (such as structural, functional, and spatial information, amino acid conservation, physicochemical variation, residue mobility, and thermodynamic stability) indicates that this missense variant is not expected to disrupt TSC1 protein function with a negative predictive value of 95%. In summary, the available evidence is currently insufficient to determine the role of this variant in disease. Therefore, it has been classified as a Variant of Uncertain Significance.